The following is an entry in ClinVar:

NM_001369.3(DNAH5):c.8010+79_8010+80del

Gene: DNAH5 (dynein axonemal heavy chain 5; minus strand). Cytogenetic location: 5p15.2.
Variant type: Deletion.
Coding change: c.8010+79_8010+80del on transcript NM_001369.3 (MANE Select); bases 79 to 80 of the intron after coding-DNA position 8010, 2 bases deleted (TT; older notation c.8010+79_8010+80delTT).
Molecular consequence: intron variant.
Genome position (GRCh38, 1-based): chr5:13,793,856-13,793,857, AA deleted on the plus strand (TT on the coding strand, the reverse complement: DNAH5 is on the minus strand); deleting any 2 consecutive bases within chr5:13,793,856-13,793,863 gives the same sequence; the c. name uses the placement nearest the transcript's 3' end. VCF-style (leftmost placement, unchanged base first): chr5-13793855-TAA-T. GRCh37 (hg19) VCF-style: chr5-13793964-TAA-T.
Identifiers: ClinVar variation 1706848 (VCV001706848.2), dbSNP rs374039189, ClinGen allele CA113962255.

ClinVar aggregate classification (germline): Likely benign (1 of 4 stars; one submission).

Submission:

GeneDx
Classification: Likely benign. Last evaluated: 2021-05-24. Review status: criteria provided, single submitter. Criteria: GeneDx Variant Classification Process June 2021. Collection method: clinical testing. Allele origin: germline. Affected: yes.
Comment: See Variant Classification Assertion Criteria.